The following is an entry in ClinVar:

ClinVar aggregate classification (germline): Uncertain significance (1 of 4 stars; one submission).

Conditions:
Familial adenomatous polyposis 1 (FAP1). Also called: FAMILIAL ADENOMATOUS POLYPOSIS 1, ATTENUATED; POLYPOSIS, ADENOMATOUS INTESTINAL. Identifiers: MedGen C2713442, MONDO:0021056, OMIM 175100. Disease mechanism: loss of function.

Submission:

Labcorp Genetics (formerly Invitae), Labcorp
Classification: Uncertain significance for Familial adenomatous polyposis 1. Last evaluated: 2025-06-04. Review status: criteria provided, single submitter. Criteria: Invitae Variant Classification Sherloc (09022015). Collection method: clinical testing. Allele origin: germline.
Comment: This variant occurs in a non-coding region of the APC gene. It does not change the encoded amino acid sequence of the APC protein. This variant is not present in population databases (gnomAD no frequency). This variant has not been reported in the literature in individuals affected with APC-related conditions. Experimental studies and prediction algorithms are not available or were not evaluated, and the functional significance of this variant is currently unknown. In summary, the available evidence is currently insufficient to determine the role of this variant in disease. Therefore, it has been classified as a Variant of Uncertain Significance.

NM_001127511.3(APC):c.143G>C (p.Gly48Ala)

Gene: APC (APC regulator of Wnt signaling pathway; plus strand). Cytogenetic location: 5q22.2.
Variant type: single nucleotide variant.
Coding change: c.143G>C on transcript NM_001127511.3; coding-DNA position 143, G replaced by C.
Protein change: p.Gly48Ala; replaces glycine 48 with alanine.
Molecular consequence: missense variant. On other transcripts: 5 prime UTR variant (8), non-coding transcript variant (1), intron variant (5).
Genome position (GRCh38, 1-based): chr5:112,707,860, G>C. VCF-style: chr5-112707860-G-C. GRCh37 (hg19) VCF-style: chr5-112043557-G-C.
Other names: c.-41G>C (NM_001354895.2, NM_001407447.1, NM_001407452.1 and 3 more transcripts); c.143G>C, p.Gly48Ala (NM_001354897.2, NM_001354902.2, NM_001407446.1); c.-1076G>C (NM_001407470.1, NM_001407472.1); c.-19+211G>C (NM_001407448.1, NM_001407450.1, NM_001407457.1 and 1 more transcripts); c.-43+211G>C (NM_001407453.1); short protein forms G48A.
Identifiers: ClinVar variation 2734561 (VCV002734561.3), dbSNP rs2531742116, ClinGen allele CA360612141.